The following is an entry in ClinVar:

NM_000059.4(BRCA2):c.3313C>A (p.Pro1105Thr)

Gene: BRCA2 (BRCA2 DNA repair associated; plus strand). Cytogenetic location: 13q13.1.
Variant type: single nucleotide variant.
Coding change: c.3313C>A on transcript NM_000059.4 (MANE Select); coding-DNA position 3313, C replaced by A.
Protein change: p.Pro1105Thr; replaces proline 1105 with threonine.
Molecular consequence: missense variant. On other transcripts: non-coding transcript variant (1), intron variant (2).
Genome position (GRCh38, 1-based): chr13:32,337,668, C>A. VCF-style: chr13-32337668-C-A. GRCh37 (hg19) VCF-style: chr13-32911805-C-A.
Other names: c.3313C>A, p.Pro1105Thr (NM_001406719.1, NM_001406720.1, NM_001432077.1); c.1909+4281C>A (NM_001406721.1); c.424+6638C>A (NM_001406722.1); short protein forms P1105T.
Identifiers: ClinVar variation 3572349 (VCV003572349.2).

ClinVar aggregate classification (germline): Uncertain significance. Review status: criteria provided, multiple submitters, no conflicts (2 of 4 stars). 2 submissions from 2 submitters: Uncertain significance (2). Last evaluated 2024-12-22.

Conditions:
Hereditary cancer-predisposing syndrome. Also called: Hereditary Cancer Syndrome; Hereditary neoplastic syndrome; Tumor predisposition; Neoplastic Syndromes, Hereditary. Identifiers: Orphanet 140162, MedGen C0027672, MeSH D009386, MONDO:0015356.

gnomAD v4.1: 2 of 1,595,952 alleles (0.00013%); highest among the groups gnomAD compares: Non-Finnish European, 0.00017%; no homozygotes.

Submissions (2):

Ambry Genetics
Classification: Uncertain significance for Hereditary cancer-predisposing syndrome. Last evaluated: 2024-12-22. Review status: criteria provided, single submitter. Criteria: Ambry Variant Classification Scheme 2023. Collection method: clinical testing. Allele origin: germline.
Comment: The p.P1105T variant (also known as c.3313C>A), located in coding exon 10 of the BRCA2 gene, results from a C to A substitution at nucleotide position 3313. The proline at codon 1105 is replaced by threonine, an amino acid with highly similar properties. This amino acid position is not well conserved in available vertebrate species. In addition, this alteration is predicted to be tolerated by in silico analysis. Based on the available evidence, the clinical significance of this variant remains unclear.

Quest Diagnostics Nichols Institute San Juan Capistrano
Classification: Uncertain significance. Last evaluated: 2024-05-06. Review status: criteria provided, single submitter. Criteria: Quest Diagnostics criteria. Collection method: clinical testing. Allele origin: unknown.
Comment: The BRCA2 c.3313C>A (p.Pro1105Thr) variant has not been reported in individuals with BRCA2-related conditions in the published literature. It also has not been reported in large, multi-ethnic general populations (Genome Aggregation Database). Analysis of this variant using bioinformatics tools for the prediction of the effect of amino acid changes on protein structure and function yielded predictions that this variant is benign. Based on the available information, we are unable to determine the clinical significance of this variant.